The following is an entry in ClinVar:

NM_001042681.2(RERE):c.2832C>T (p.Ala944=)

Gene: RERE (arginine-glutamic acid dipeptide repeats; minus strand). Cytogenetic location: 1p36.23.
Variant type: single nucleotide variant.
Coding change: c.2832C>T on transcript NM_001042681.2 (MANE Select); coding-DNA position 2832, C replaced by T.
Protein change: p.Ala944=; no amino-acid change (alanine 944 retained).
Molecular consequence: synonymous variant.
Genome position (GRCh38, 1-based): chr1:8,360,675, G>A on the plus strand (C>T on the coding strand, the complement: RERE is on the minus strand). VCF-style: chr1-8360675-G-A. GRCh37 (hg19) VCF-style: chr1-8420735-G-A.
Other names: c.1170C>T, p.Ala390= (NM_001042682.2); c.2832C>T, p.Ala944= (NM_012102.4).
Identifiers: ClinVar variation 4534344 (VCV004534344.6).

ClinVar aggregate classification (germline): Likely benign (1 of 4 stars; one submission).

gnomAD v4.1: 171 of 1,548,750 alleles (0.011%); highest among the groups gnomAD compares: Non-Finnish European, 0.014%; no homozygotes.

Submission:

CeGaT Center for Human Genetics Tuebingen
Classification: Likely benign. Last evaluated: 2025-11-01. Review status: criteria provided, single submitter. Criteria: CeGaT Center For Human Genetics Tuebingen Variant Classification Criteria Version 2. Collection method: clinical testing. Allele origin: germline. Affected: yes. Observed: 1 variant allele.
Comment: RERE: BP4, BP7